The following is an entry in ClinVar:

NM_000179.3(MSH6):c.704C>G (p.Thr235Arg)

Gene: MSH6 (mutS homolog 6; plus strand). Cytogenetic location: 2p16.3.
Variant type: single nucleotide variant.
Coding change: c.704C>G on transcript NM_000179.3 (MANE Select); coding-DNA position 704, C replaced by G.
Protein change: p.Thr235Arg; replaces threonine 235 with arginine.
Molecular consequence: missense variant. On other transcripts: 5 prime UTR variant (2).
Genome position (GRCh38, 1-based): chr2:47,798,687, C>G. VCF-style: chr2-47798687-C-G. GRCh37 (hg19) VCF-style: chr2-48025826-C-G.
Other names: c.314C>G, p.Thr105Arg (NM_001281492.2); c.-203C>G (NM_001281493.2, NM_001281494.2); short protein forms T105R, T235R.
Identifiers: ClinVar variation 1494325 (VCV001494325.9), dbSNP rs1553412133, ClinGen allele CA346739978.

ClinVar aggregate classification (germline): Uncertain significance. Review status: criteria provided, multiple submitters, no conflicts (2 of 4 stars). 2 submissions from 2 submitters: Uncertain significance (2). Last evaluated 2024-07-29.

Conditions:
Hereditary nonpolyposis colorectal neoplasms. Identifiers: MedGen C0009405, MeSH D003123.
Lynch syndrome. Identifiers: Orphanet 144, MedGen C4552100, MONDO:0005835. Disease mechanism: loss of function.

Submissions (2):

All of Us Research Program, National Institutes of Health
Classification: Uncertain significance for Lynch syndrome. Last evaluated: 2024-07-29. Review status: criteria provided, single submitter. Criteria: ACMG Guidelines, 2015. Collection method: clinical testing. Allele origin: germline. Inheritance: Autosomal dominant inheritance. Observed: 1 variant allele, 1 heterozygote.
Comment: This missense variant replaces threonine with arginine at codon 235 of the MSH6 protein. Computational prediction suggests that this variant may not impact protein structure and function (internally defined REVEL score threshold <= 0.5, PMID: 27666373). To our knowledge, functional studies have not been reported for this variant. This variant has not been reported in individuals affected with MSH6-related disorders in the literature. This variant has not been identified in the general population by the Genome Aggregation Database (gnomAD). The available evidence is insufficient to determine the role of this variant in disease conclusively. Therefore, this variant is classified as a Variant of Uncertain Significance.

This study involves interpretation of variants in research participants for the purpose of population health screening. Participant phenotype was not available at the time of variant classification. Additional details can be found in publication PMID: 35346344, PMCID: PMC8962531

Labcorp Genetics (formerly Invitae), Labcorp
Classification: Uncertain significance for Hereditary nonpolyposis colorectal neoplasms. Last evaluated: 2021-05-28. Review status: criteria provided, single submitter. Criteria: Invitae Variant Classification Sherloc (09022015). Collection method: clinical testing. Allele origin: germline.
Comment: In summary, the available evidence is currently insufficient to determine the role of this variant in disease. Therefore, it has been classified as a Variant of Uncertain Significance. Advanced modeling of protein sequence and biophysical properties (such as structural, functional, and spatial information, amino acid conservation, physicochemical variation, residue mobility, and thermodynamic stability) performed at Invitae indicates that this missense variant is not expected to disrupt MSH6 protein function. This variant has not been reported in the literature in individuals with MSH6-related conditions. This variant is not present in population databases (ExAC no frequency). This sequence change replaces threonine with arginine at codon 235 of the MSH6 protein (p.Thr235Arg). The threonine residue is weakly conserved and there is a moderate physicochemical difference between threonine and arginine.